The following is an entry in ClinVar:

NM_001080476.3(GRXCR1):c.627+8A>T

Gene: GRXCR1 (glutaredoxin and cysteine rich domain containing 1; plus strand). Cytogenetic location: 4p13.
Variant type: single nucleotide variant.
Coding change: c.627+8A>T on transcript NM_001080476.3 (MANE Select); 8 bases into the intron after coding-DNA position 627, A replaced by T.
Molecular consequence: intron variant.
Genome position (GRCh38, 1-based): chr4:42,963,142, A>T. VCF-style: chr4-42963142-A-T. GRCh37 (hg19) VCF-style: chr4-42965159-A-T.
Identifiers: ClinVar variation 227420 (VCV000227420.4), dbSNP rs10213360, ClinGen allele CA2904453.
Genomic context (GRCh38, chr4:42,963,142, plus strand): 5'-TTTCTGAAGCTCCTTCCCTCCCTGTTGTGTTCATTGATGGCCATTACCTTGGGGTAAGTA[A>T]GCTGCCCAGGAAAGTCTTTTTCATAGAACCCAACCAGGGCTGATAGAAATCTATAACCAT-3'

ClinVar aggregate classification (germline): Likely benign (1 of 4 stars; one submission).

gnomAD v4.1: 51 of 1,611,964 alleles (0.0032%); highest among the groups gnomAD compares: East Asian, 0.0045%; no homozygotes.

Submission:

Laboratory for Molecular Medicine, Mass General Brigham Personalized Medicine
Classification: Likely benign. Last evaluated: 2015-05-07. Review status: criteria provided, single submitter. Criteria: LMM Criteria. Collection method: clinical testing. Allele origin: germline. Observed: 1 variant allele.
Comment: c.627+8A>T in intron 2 of GRXCR1: This variant is not expected to have clinical significance because it is not located within the splice consensus sequence. It has been identified in 2/16512 South Asian chromosomes by the Exome Aggregation Consortium (ExAC).